The following is an entry in ClinVar:

ClinVar aggregate classification (germline): Likely benign (0 of 4 stars; one submission).

Conditions:
ADCY3-related disorder. Also called: ADCY3-related condition.

gnomAD v4.1: 41 of 1,614,138 alleles (0.0025%); highest among the groups gnomAD compares: African/African-American, 0.048%; no homozygotes.

Submission:

PreventionGenetics, part of Exact Sciences
Classification: Likely benign for ADCY3-related condition. Last evaluated: 2022-06-13. Review status: no assertion criteria provided. Collection method: clinical testing. Allele origin: germline.
Comment: This variant is classified as likely benign based on ACMG/AMP sequence variant interpretation guidelines (Richards et al. 2015 PMID: 25741868, with internal and published modifications).

NM_004036.5(ADCY3):c.2310G>A (p.Gln770=)

Gene: ADCY3 (adenylate cyclase 3; minus strand). Cytogenetic location: 2p23.3.
Variant type: single nucleotide variant.
Coding change: c.2310G>A on transcript NM_004036.5 (MANE Select); coding-DNA position 2310, G replaced by A.
Protein change: p.Gln770=; no amino-acid change (glutamine 770 retained).
Molecular consequence: synonymous variant. On other transcripts: intron variant (1), splice acceptor variant (1).
Genome position (GRCh38, 1-based): chr2:24,828,024, C>T on the plus strand (G>A on the coding strand, the complement: ADCY3 is on the minus strand). VCF-style: chr2-24828024-C-T. GRCh37 (hg19) VCF-style: chr2-25050893-C-T.
Other names: c.2310G>A, p.Gln770= (NM_001320613.2, NM_001377132.1); c.2376G>A, p.Gln792= (NM_001377128.1); c.1587G>A, p.Gln529= (NM_001377131.1); c.2172+2685G>A (NM_001377130.1); c.2173-1G>A (NM_001377129.1).
Identifiers: ClinVar variation 3356737 (VCV003356737.1).